The following is an entry in ClinVar:

NM_033401.5(CNTNAP4):c.3023C>A (p.Ser1008Ter)

Gene: CNTNAP4 (contactin associated protein family member 4; plus strand). Cytogenetic location: 16q23.1.
Variant type: single nucleotide variant.
Coding change: c.3023C>A on transcript NM_033401.5 (MANE Select); coding-DNA position 3023, C replaced by A.
Protein change: p.Ser1008Ter; replaces serine 1008 with a stop codon.
Molecular consequence: nonsense. On other transcripts: non-coding transcript variant (3).
Genome position (GRCh38, 1-based): chr16:76,538,143, C>A. VCF-style: chr16-76538143-C-A. GRCh37 (hg19) VCF-style: chr16-76572040-C-A.
Other names: c.2873C>A, p.Ser958Ter (NM_001322178.2); c.2783C>A, p.Ser928Ter (NM_001322179.2); c.2636C>A, p.Ser879Ter (NM_001322180.2); c.3020C>A, p.Ser1007Ter (NM_001322181.2); c.1607C>A, p.Ser536Ter (NM_001322187.2); c.3023C>A, p.Ser1008Ter (NM_001322188.2); c.2759C>A, p.Ser920Ter (NM_001322189.2); c.2879C>A, p.Ser960Ter (NM_001322190.2); and 2 more; short protein forms S1007*, S1008*, S536*, S699*, S879*, S920*, S928*, S935*.
Identifiers: ClinVar variation 4883208 (VCV004883208.2).
Genomic context (GRCh38, chr16:76,538,143, plus strand): 5'-TTTTAACAAAAATATATATATATATTATTTCAGAGATTTCTGCATATTTTGGATCTGGCT[C>A]ATCCGTGATATACAATTTTCAAGAAAATTATCTTTTAAGTAAAAACTCCAGCTCCCACGC-3'

ClinVar aggregate classification (germline): Uncertain significance (1 of 4 stars; one submission).

gnomAD v4.1: 1 of 1,554,208 alleles (0.000064%); no homozygotes.

Submission:

Dasa
Classification: Uncertain significance. Last evaluated: 2025-10-14. Review status: criteria provided, single submitter. Criteria: DASA Assertion Criteria. Collection method: clinical testing. Allele origin: germline.
Comment: NM_033401.5(CNTNAP4):c.3023C>A (p.Ser1008*) is a nonsense variant in CNTNAP4 predicted to introduce a premature termination codon. This variant is rare in population databases. The currently available literature and clinical evidence are not sufficient to establish a definitive association between this variant and the reported condition. Therefore, this variant is classified as a variant of uncertain significance.